The following is an entry in ClinVar:

ClinVar aggregate classification (germline): Uncertain significance (1 of 4 stars; one submission).

Submission:

Labcorp Genetics (formerly Invitae), Labcorp
Classification: Uncertain significance. Last evaluated: 2023-04-15. Review status: criteria provided, single submitter. Criteria: Invitae Variant Classification Sherloc (09022015). Collection method: clinical testing. Allele origin: germline.
Comment: This sequence change replaces threonine, which is neutral and polar, with isoleucine, which is neutral and non-polar, at codon 1047 of the CHD8 protein (p.Thr1047Ile). This variant is not present in population databases (gnomAD no frequency). This variant has not been reported in the literature in individuals affected with CHD8-related conditions. Advanced modeling of protein sequence and biophysical properties (such as structural, functional, and spatial information, amino acid conservation, physicochemical variation, residue mobility, and thermodynamic stability) performed at Invitae indicates that this missense variant is expected to disrupt CHD8 protein function. In summary, the available evidence is currently insufficient to determine the role of this variant in disease. Therefore, it has been classified as a Variant of Uncertain Significance.

NM_001170629.2(CHD8):c.3140C>T (p.Thr1047Ile)

Gene: CHD8 (chromodomain helicase DNA binding protein 8; minus strand). Cytogenetic location: 14q11.2.
Variant type: single nucleotide variant.
Coding change: c.3140C>T on transcript NM_001170629.2 (MANE Select); coding-DNA position 3140, C replaced by T.
Protein change: p.Thr1047Ile; replaces threonine 1047 with isoleucine.
Molecular consequence: missense variant.
Genome position (GRCh38, 1-based): chr14:21,405,376, G>A on the plus strand (C>T on the coding strand, the complement: CHD8 is on the minus strand). VCF-style: chr14-21405376-G-A. GRCh37 (hg19) VCF-style: chr14-21873535-G-A.
Other names: c.2303C>T, p.Thr768Ile (NM_020920.4); short protein forms T1047I, T768I.
Identifiers: ClinVar variation 2856663 (VCV002856663.3), dbSNP rs2501910945, ClinGen allele CA388902512.